The following is an entry in ClinVar:

NM_014251.3(SLC25A13):c.308G>A (p.Gly103Asp)

Gene: SLC25A13 (solute carrier family 25 member 13; minus strand). Cytogenetic location: 7q21.3.
Variant type: single nucleotide variant.
Coding change: c.308G>A on transcript NM_014251.3 (MANE Select); coding-DNA position 308, G replaced by A.
Protein change: p.Gly103Asp; replaces glycine 103 with aspartic acid.
Molecular consequence: missense variant.
Genome position (GRCh38, 1-based): chr7:96,234,822, C>T on the plus strand (G>A on the coding strand, the complement: SLC25A13 is on the minus strand). VCF-style: chr7-96234822-C-T. GRCh37 (hg19) VCF-style: chr7-95864134-C-T.
Other names: c.308G>A, p.Gly103Asp (NM_001160210.2); short protein forms G103D.
Identifiers: ClinVar variation 1499865 (VCV001499865.5), dbSNP rs2116815391, ClinGen allele CA368408214.
Genomic context (GRCh38, chr7:96,234,822, plus strand): 5'-TCCACACTTACACAGACGTGCACAGAAGCATGCTTCTTACCAAAAGTTACTTCTCCTTTG[C>T]CAGCTTTGTCAAACAGCTGAAAGGCTACCATAAACAAAGCATCAGGGGCACACAGGACAG-3'
Protein context (NP_055066.1, residues 93-113): MVAFQLFDKA[Gly103Asp]KGEVTFEDVK

ClinVar aggregate classification (germline): Uncertain significance (1 of 4 stars; one submission).

Conditions:
Citrin deficiency. Identifiers: Orphanet 247582, MedGen C1997910, MONDO:0016602.

Allele frequency attached by ClinVar (database versions not stated): gnomAD exomes below 0.00001.
gnomAD v4.1: 1 of 1,613,418 alleles (0.000062%); highest among the groups gnomAD compares: Non-Finnish European, 0.000085%; no homozygotes.

Submission:

Labcorp Genetics (formerly Invitae), Labcorp
Classification: Uncertain significance for Citrin deficiency. Last evaluated: 2025-12-15. Review status: criteria provided, single submitter. Criteria: Invitae Variant Classification Sherloc (09022015). Collection method: clinical testing. Allele origin: germline.
Comment: This sequence change replaces glycine, which is neutral and non-polar, with aspartic acid, which is acidic and polar, at codon 103 of the SLC25A13 protein (p.Gly103Asp). This variant is not present in population databases (gnomAD no frequency). This variant has not been reported in the literature in individuals affected with SLC25A13-related conditions. ClinVar contains an entry for this variant (Variation ID: 1499865). Invitae Evidence Modeling of protein sequence and biophysical properties (such as structural, functional, and spatial information, amino acid conservation, physicochemical variation, residue mobility, and thermodynamic stability) indicates that this missense variant is expected to disrupt SLC25A13 protein function with a positive predictive value of 95%. In summary, the available evidence is currently insufficient to determine the role of this variant in disease. Therefore, it has been classified as a Variant of Uncertain Significance.